The following is an entry in ClinVar:

ClinVar aggregate classification (germline): Benign. Review status: criteria provided, multiple submitters, no conflicts (2 of 4 stars). 3 submissions from 3 submitters: Benign (2). 1 of the submissions does not count toward it. Last evaluated 2019-12-31.

Conditions:
LGR4-related disorder. Also called: LGR4-related condition.

Allele frequency attached by ClinVar (database versions not stated): gnomAD exomes 0.00276 and 0.00734; ExAC 0.00884; gnomAD 0.02821 and 0.03043; TOPMed 0.03142; ESP Exome Variant Server 0.03330; 1000 Genomes Project 0.03375; 1000 Genomes Project 30x 0.03716.
gnomAD v4.1: 8,481 of 1,614,054 alleles (0.53%); highest among the groups gnomAD compares: African/African-American, 10%; 380 homozygotes.

Submissions (3):

Labcorp Genetics (formerly Invitae), Labcorp
Classification: Benign. Last evaluated: 2019-12-31. Review status: criteria provided, single submitter. Criteria: Invitae Variant Classification Sherloc (09022015). Collection method: clinical testing. Allele origin: germline.

Breakthrough Genomics
Classification: Benign. Review status: criteria provided, single submitter. Criteria: ACMG Guidelines, 2015. Collection method: not provided. Allele origin: germline. Inheritance: Autosomal dominant inheritance. Affected: yes.

PreventionGenetics, part of Exact Sciences
Classification: Benign for LGR4-related condition. Last evaluated: 2019-06-06. Review status: no assertion criteria provided. Collection method: clinical testing. Allele origin: germline. Not counted in ClinVar's aggregate classification.
Comment: This variant is classified as benign based on ACMG/AMP sequence variant interpretation guidelines (Richards et al. 2015 PMID: 25741868, with internal and published modifications).

NM_018490.5(LGR4):c.1782A>G (p.Leu594=)

Gene: LGR4 (leucine rich repeat containing G protein-coupled receptor 4; minus strand). Cytogenetic location: 11p14.1.
Variant type: single nucleotide variant.
Coding change: c.1782A>G on transcript NM_018490.5 (MANE Select); coding-DNA position 1782, A replaced by G.
Protein change: p.Leu594=; no amino-acid change (leucine 594 retained).
Molecular consequence: synonymous variant.
Genome position (GRCh38, 1-based): chr11:27,368,941, T>C on the plus strand (A>G on the coding strand, the complement: LGR4 is on the minus strand). VCF-style: chr11-27368941-T-C. GRCh37 (hg19) VCF-style: chr11-27390488-T-C.
Other names: c.1710A>G, p.Leu570= (NM_001346432.2); c.1782A>G (NM_018490.3).
Identifiers: ClinVar variation 779136 (VCV000779136.7), dbSNP rs35947785, ClinGen allele CA5928287.
Genomic context (GRCh38, chr11:27,368,941, plus strand): 5'-AGTTTCCCACCAAATGCCAAATTCAGCGAATCTGCCCCAGGACACAGCATCAAGAAAAGT[T>C]AGGATGCCAGTATAGATTCCCATGAATAAGTTAGACACAGAAATCAAGCCTATAAACAAT-3'
Protein context (NP_060960.2, residues 584-604): NLFMGIYTGI[Leu594=]TFLDAVSWGR